The following is an entry in ClinVar:

ClinVar aggregate classification (germline): Pathogenic (1 of 4 stars; one submission).

Conditions:
Neurofibromatosis, type 1 (NF1). Also called: VON RECKLINGHAUSEN DISEASE; Peripheral type neurofibromatosis; NEUROFIBROMATOSIS, TYPE I, SOMATIC; Neurofibromatosis, type I. Identifiers: Orphanet 636, MedGen C0027831, MONDO:0018975, OMIM 162200. Disease mechanism: loss of function.

Submission:

Labcorp Genetics (formerly Invitae), Labcorp
Classification: Pathogenic for Neurofibromatosis, type 1. Last evaluated: 2025-02-11. Review status: criteria provided, single submitter. Criteria: Invitae Variant Classification Sherloc (09022015). Collection method: clinical testing. Allele origin: germline.
Comment: This sequence change creates a premature translational stop signal (p.Ser2414Glufs*13) in the NF1 gene. It is expected to result in an absent or disrupted protein product. Loss-of-function variants in NF1 are known to be pathogenic (PMID: 10712197, 23913538). This variant is not present in population databases (gnomAD no frequency). This variant has not been reported in the literature in individuals affected with NF1-related conditions. For these reasons, this variant has been classified as Pathogenic.

Literature cited by the submitters: PubMed 10712197; PubMed 23913538.

NM_001042492.3(NF1):c.7301dup (p.Ser2435fs)

Gene: NF1 (neurofibromin 1; plus strand). Cytogenetic location: 17q11.2.
Variant type: Duplication.
Coding change: c.7301dup on transcript NM_001042492.3 (MANE Select); coding-DNA position 7301, one base duplicated (A; older notation c.7301dupA).
Protein change: p.Ser2435fs; shifts the reading frame from serine 2435.
Molecular consequence: frameshift variant.
Genome position (GRCh38, 1-based): chr17:31,349,231, A duplicated. VCF-style (leftmost placement, unchanged base first): chr17-31349230-C-CA. GRCh37 (hg19) VCF-style: chr17-29676248-C-CA.
Other names: c.7238dup, p.Ser2414fs (NM_000267.4); short protein forms S2414fs, S2435fs.
Identifiers: ClinVar variation 4712802 (VCV004712802.1).